The following is an entry in ClinVar:

ClinVar aggregate classification (germline): Benign/Likely benign. Review status: criteria provided, multiple submitters, no conflicts (2 of 4 stars). 4 submissions from 4 submitters: Benign (3); Likely benign (1). Last evaluated 2025-11-06.

Allele frequency attached by ClinVar (database versions not stated): 1000 Genomes Project 30x 0.00047; 1000 Genomes Project 0.00060; ESP Exome Variant Server 0.00097.

Submissions (4):

Labcorp Genetics (formerly Invitae), Labcorp
Classification: Benign. Last evaluated: 2025-11-06. Review status: criteria provided, single submitter. Criteria: Invitae Variant Classification Sherloc (09022015). Collection method: clinical testing. Allele origin: germline.

Mayo Clinic Laboratories, Mayo Clinic
Classification: Benign. Last evaluated: 2025-02-19. Review status: criteria provided, single submitter. Criteria: ACMG Guidelines, 2015. Collection method: clinical testing. Allele origin: germline. Observed: 4 variant alleles.
Comment: BS1, BS2, BP4, BP7

ARUP Laboratories, Molecular Genetics and Genomics, ARUP Laboratories
Classification: Benign. Last evaluated: 2024-12-16. Review status: criteria provided, single submitter. Criteria: ARUP Molecular Germline Variant Investigation Process 2024. Collection method: clinical testing. Allele origin: germline.

Blueprint Genetics
Classification: Likely benign. Last evaluated: 2024-11-13. Review status: criteria provided, single submitter. Criteria: ACMG Guidelines, 2015. Collection method: clinical testing. Allele origin: germline.

NM_003126.4(SPTA1):c.4443-9G>A

Gene: SPTA1 (spectrin alpha, erythrocytic 1; minus strand). Cytogenetic location: 1q23.1.
Variant type: single nucleotide variant.
Coding change: c.4443-9G>A on transcript NM_003126.4 (MANE Select); 9 bases into the intron before coding-DNA position 4443, G replaced by A.
Molecular consequence: intron variant.
Genome position (GRCh38, 1-based): chr1:158,642,985, C>T on the plus strand (G>A on the coding strand, the complement: SPTA1 is on the minus strand). VCF-style: chr1-158642985-C-T. GRCh37 (hg19) VCF-style: chr1-158612775-C-T.
Other names: p.?.
Identifiers: ClinVar variation 2749505 (VCV002749505.7), dbSNP rs369041875, ClinGen allele CA1182687.